The following is an entry in ClinVar:

ClinVar aggregate classification (germline): Uncertain significance (1 of 4 stars; one submission).

Allele frequency attached by ClinVar (database versions not stated): gnomAD exomes below 0.00001; gnomAD 0.00001; TOPMed 0.00002; ExAC 0.00004.

Submission:

Labcorp Genetics (formerly Invitae), Labcorp
Classification: Uncertain significance. Last evaluated: 2025-01-30. Review status: criteria provided, single submitter. Criteria: Invitae Variant Classification Sherloc (09022015). Collection method: clinical testing. Allele origin: germline.
Comment: This sequence change replaces threonine, which is neutral and polar, with alanine, which is neutral and non-polar, at codon 838 of the SPECC1L protein (p.Thr838Ala). This variant is present in population databases (rs776613797, gnomAD 0.02%). This variant has not been reported in the literature in individuals affected with SPECC1L-related conditions. ClinVar contains an entry for this variant (Variation ID: 2083384). Invitae Evidence Modeling of protein sequence and biophysical properties (such as structural, functional, and spatial information, amino acid conservation, physicochemical variation, residue mobility, and thermodynamic stability) indicates that this missense variant is not expected to disrupt SPECC1L protein function with a negative predictive value of 80%. In summary, the available evidence is currently insufficient to determine the role of this variant in disease. Therefore, it has been classified as a Variant of Uncertain Significance.

NM_015330.6(SPECC1L):c.2512A>G (p.Thr838Ala)

Genes: SPECC1L (sperm antigen with calponin homology and coiled-coil domains 1 like; plus strand), SPECC1L-ADORA2A (SPECC1L-ADORA2A readthrough (NMD candidate); plus strand). Cytogenetic location: 22q11.23.
Variant type: single nucleotide variant.
Coding change: c.2512A>G on transcript NM_015330.6 (MANE Select); coding-DNA position 2512, A replaced by G.
Protein change: p.Thr838Ala; replaces threonine 838 with alanine.
Molecular consequence: missense variant. On other transcripts: non-coding transcript variant (1).
Genome position (GRCh38, 1-based): chr22:24,334,525, A>G. VCF-style: chr22-24334525-A-G. GRCh37 (hg19) VCF-style: chr22-24730493-A-G.
Other names: c.2512A>G, p.Thr838Ala (NM_001145468.4, NM_001254732.3); short protein forms T838A.
Identifiers: ClinVar variation 2083384 (VCV002083384.4), dbSNP rs776613797, ClinGen allele CA10152328.